The following is an entry in ClinVar:

ClinVar aggregate classification (germline): Conflicting classifications of pathogenicity. Review status: criteria provided, conflicting classifications (1 of 4 stars). 7 submissions from 7 submitters: Uncertain significance (5); Likely benign (2). Last evaluated 2026-01-28.

Conditions:
LAMA2-related muscular dystrophy (LAMA2-RD). Also called: Laminin alpha 2-related dystrophy. Identifiers: MedGen C5679788, MONDO:0100228.
Congenital muscular dystrophy due to partial LAMA2 deficiency. Identifiers: MedGen C1842898.

Allele frequency attached by ClinVar (database versions not stated): TOPMed 0.00002; 1000 Genomes Project 30x 0.00109; 1000 Genomes Project 0.00140.
gnomAD v4.1: 292 of 1,614,088 alleles (0.018%); highest among the groups gnomAD compares: South Asian, 0.28%; 1 homozygote.

Submissions (7):

Labcorp Genetics (formerly Invitae), Labcorp
Classification: Likely benign for LAMA2-related muscular dystrophy. Last evaluated: 2026-01-28. Review status: criteria provided, single submitter. Criteria: Invitae Variant Classification Sherloc (09022015). Collection method: clinical testing. Allele origin: germline.

Mayo Clinic Laboratories, Mayo Clinic
Classification: Uncertain significance. Last evaluated: 2022-12-08. Review status: criteria provided, single submitter. Criteria: ACMG Guidelines, 2015. Collection method: clinical testing. Allele origin: germline. Observed: 1 variant allele.
Comment: BP4

Revvity Omics, Revvity
Classification: Uncertain significance. Last evaluated: 2021-03-03. Review status: criteria provided, single submitter. Criteria: ACMG Guidelines, 2015. Collection method: clinical testing. Allele origin: germline.

GeneDx
Classification: Likely benign. Last evaluated: 2019-06-17. Review status: criteria provided, single submitter. Criteria: GeneDx Variant Classification Process June 2021. Collection method: clinical testing. Allele origin: germline. Affected: yes.

CeGaT Center for Human Genetics Tuebingen
Classification: Uncertain significance. Last evaluated: 2018-06-01. Review status: criteria provided, single submitter. Criteria: CeGaT Center For Human Genetics Tuebingen Variant Classification Criteria Version 2. Collection method: clinical testing. Allele origin: germline. Affected: yes. Observed: 1 variant allele.

Illumina Laboratory Services, Illumina
Classification: Uncertain significance for Congenital muscular dystrophy due to partial LAMA2 deficiency. Last evaluated: 2018-01-13. Review status: criteria provided, single submitter. Criteria: ICSL Variant Classification Criteria 13 December 2019. Collection method: clinical testing. Allele origin: germline.

Eurofins Ntd Llc (ga)
Classification: Uncertain significance. Last evaluated: 2015-09-30. Review status: criteria provided, single submitter. Criteria: EGL Classification Definitions 2015. Collection method: clinical testing. Allele origin: germline. Observed: 1 variant allele, 1 heterozygote.

NM_000426.4(LAMA2):c.9340G>A (p.Val3114Ile)

Gene: LAMA2 (laminin subunit alpha 2; plus strand). Cytogenetic location: 6q22.33.
Variant type: single nucleotide variant.
Coding change: c.9340G>A on transcript NM_000426.4 (MANE Select); coding-DNA position 9340, G replaced by A.
Protein change: p.Val3114Ile; replaces valine 3114 with isoleucine.
Molecular consequence: missense variant.
Genome position (GRCh38, 1-based): chr6:129,516,318, G>A. VCF-style: chr6-129516318-G-A. GRCh37 (hg19) VCF-style: chr6-129837463-G-A.
Other names: p.Val3114Ile; c.9328G>A, p.Val3110Ile (NM_001079823.2); short protein forms V3114I, V3110I.
Identifiers: ClinVar variation 283539 (VCV000283539.65), dbSNP rs200796753, ClinGen allele CA3995105.